The following is an entry in ClinVar:

NM_139057.4(ADAMTS17):c.2125G>A (p.Ala709Thr)

Gene: ADAMTS17 (ADAM metallopeptidase with thrombospondin type 1 motif 17; minus strand). Cytogenetic location: 15q26.3.
Variant type: single nucleotide variant.
Coding change: c.2125G>A on transcript NM_139057.4 (MANE Select); coding-DNA position 2125, G replaced by A.
Protein change: p.Ala709Thr; replaces alanine 709 with threonine.
Molecular consequence: missense variant.
Genome position (GRCh38, 1-based): chr15:100,096,368, C>T on the plus strand (G>A on the coding strand, the complement: ADAMTS17 is on the minus strand). VCF-style: chr15-100096368-C-T. GRCh37 (hg19) VCF-style: chr15-100636573-C-T.
Other names: short protein forms A709T.
Identifiers: ClinVar variation 3703182 (VCV003703182.1).

ClinVar aggregate classification (germline): Uncertain significance (1 of 4 stars; one submission).

gnomAD v4.1: 32 of 1,613,750 alleles (0.002%); highest among the groups gnomAD compares: African/African-American, 0.0093%; no homozygotes.

Submission:

Labcorp Genetics (formerly Invitae), Labcorp
Classification: Uncertain significance. Last evaluated: 2024-08-21. Review status: criteria provided, single submitter. Criteria: Invitae Variant Classification Sherloc (09022015). Collection method: clinical testing. Allele origin: germline.
Comment: This sequence change replaces alanine, which is neutral and non-polar, with threonine, which is neutral and polar, at codon 709 of the ADAMTS17 protein (p.Ala709Thr). This variant is present in population databases (rs147753194, gnomAD 0.02%). This variant has not been reported in the literature in individuals affected with ADAMTS17-related conditions. An algorithm developed to predict the effect of missense changes on protein structure and function outputs the following: PolyPhen-2: "Benign". The threonine amino acid residue is found in multiple mammalian species, which suggests that this missense change does not adversely affect protein function. In summary, the available evidence is currently insufficient to determine the role of this variant in disease. Therefore, it has been classified as a Variant of Uncertain Significance.